The following is an entry in ClinVar:

NM_018684.4(ZC4H2):c.561G>T (p.Lys187Asn)

Gene: ZC4H2 (zinc finger C4H2-type containing; minus strand). Cytogenetic location: Xq11.2.
Variant type: single nucleotide variant.
Coding change: c.561G>T on transcript NM_018684.4 (MANE Select); coding-DNA position 561, G replaced by T.
Protein change: p.Lys187Asn; replaces lysine 187 with asparagine.
Molecular consequence: missense variant. On other transcripts: non-coding transcript variant (1), intron variant (1).
Genome position (GRCh38, 1-based): chrX:64,919,042, C>A on the plus strand (G>T on the coding strand, the complement: ZC4H2 is on the minus strand). VCF-style: chrX-64919042-C-A. GRCh37 (hg19) VCF-style: chrX-64138922-C-A.
Other names: NC_000023.10:g.64138922C>A; c.492G>T, p.Lys164Asn (NM_001178032.3, NM_001243804.2); c.398+1039G>T (NM_001178033.3); short protein forms K164N, K187N.
Identifiers: ClinVar variation 930316 (VCV000930316.4), dbSNP rs1929057155, ClinGen allele CA413411311.

ClinVar aggregate classification (germline): Uncertain significance (1 of 4 stars; one submission).

Conditions:
Wieacker-Wolff syndrome. Also called: Intellectual disability-developmental delay-contractures syndrome; MENTAL RETARDATION, X-LINKED, SYNDROMIC 4; MENTAL RETARDATION, X-LINKED, WITH CONGENITAL CONTRACTURES AND LOW FINGERTIP ARCHES; Wieacker-Wolff, X-linked recessive; Miles-Carpenter syndrome; APRAXIA, OCULOMOTOR, WITH CONGENITAL CONTRACTURES AND MUSCLE ATROPHY. Identifiers: Orphanet 3454, Orphanet 85283, MedGen C0796200, MONDO:0010758, OMIM 314580.

Submissions (2):

Centre for Mendelian Genomics, University Medical Centre Ljubljana
Classification: Uncertain significance for Wieacker-Wolff syndrome. Last evaluated: 2016-01-01. Review status: criteria provided, single submitter. Criteria: ACMG Guidelines, 2015. Collection method: clinical testing. Allele origin: unknown. Affected: yes.
Comment: This variant was classified as: Uncertain significance. The following ACMG criteria were applied in classifying this variant: PM2,PP2,PP3.

Dr. Peter K. Rogan Lab, Western University
No classification provided (evidence only). Condition: Uterine corpus endometrial carcinoma. Review status: no classification provided. Collection method: in vitro. Allele origin: not applicable. Functional consequence: skipped exon. Not counted in ClinVar's aggregate classification.